The following is an entry in ClinVar:

ClinVar aggregate classification (germline): Uncertain significance (1 of 4 stars; one submission).

Submission:

Labcorp Genetics (formerly Invitae), Labcorp
Classification: Uncertain significance. Last evaluated: 2022-08-24. Review status: criteria provided, single submitter. Criteria: Invitae Variant Classification Sherloc (09022015). Collection method: clinical testing. Allele origin: germline.
Comment: In summary, the available evidence is currently insufficient to determine the role of this variant in disease. Therefore, it has been classified as a Variant of Uncertain Significance. Advanced modeling of protein sequence and biophysical properties (such as structural, functional, and spatial information, amino acid conservation, physicochemical variation, residue mobility, and thermodynamic stability) performed at Invitae indicates that this missense variant is not expected to disrupt SERPING1 protein function. This variant has not been reported in the literature in individuals affected with SERPING1-related conditions. This variant is not present in population databases (gnomAD no frequency). This sequence change replaces alanine, which is neutral and non-polar, with glycine, which is neutral and non-polar, at codon 257 of the SERPING1 protein (p.Ala257Gly).

NM_000062.3(SERPING1):c.770C>G (p.Ala257Gly)

Gene: SERPING1 (serpin family G member 1; plus strand). Cytogenetic location: 11q12.1.
Variant type: single nucleotide variant.
Coding change: c.770C>G on transcript NM_000062.3 (MANE Select); coding-DNA position 770, C replaced by G.
Protein change: p.Ala257Gly; replaces alanine 257 with glycine.
Molecular consequence: missense variant.
Genome position (GRCh38, 1-based): chr11:57,606,094, C>G. VCF-style: chr11-57606094-C-G. GRCh37 (hg19) VCF-style: chr11-57373567-C-G.
Other names: c.770C>G, p.Ala257Gly (NM_001032295.2); short protein forms A257G.
Identifiers: ClinVar variation 1717925 (VCV001717925.5), dbSNP rs2495440771, ClinGen allele CA380699090.